The following is an entry in ClinVar:

ClinVar aggregate classification (germline): Uncertain significance (1 of 4 stars; one submission).

Submission:

Ambry Genetics
Classification: Uncertain significance. Last evaluated: 2024-09-21. Review status: criteria provided, single submitter. Criteria: Ambry Variant Classification Scheme 2023. Collection method: clinical testing. Allele origin: germline.
Comment: The p.N864I variant (also known as c.2591A>T), located in coding exon 13 of the NPAT gene, results from an A to T substitution at nucleotide position 2591. The asparagine at codon 864 is replaced by isoleucine, an amino acid with dissimilar properties. This amino acid position is conserved. In addition, this alteration is predicted to be tolerated by in silico analysis. Based on the available evidence, the clinical significance of this variant remains unclear.

NM_002519.3(NPAT):c.2591A>T (p.Asn864Ile)

Gene: NPAT (nuclear protein, coactivator of histone transcription; minus strand). Cytogenetic location: 11q22.3.
Variant type: single nucleotide variant.
Coding change: c.2591A>T on transcript NM_002519.3 (MANE Select); coding-DNA position 2591, A replaced by T.
Protein change: p.Asn864Ile; replaces asparagine 864 with isoleucine.
Molecular consequence: missense variant.
Genome position (GRCh38, 1-based): chr11:108,172,393, T>A on the plus strand (A>T on the coding strand, the complement: NPAT is on the minus strand). VCF-style: chr11-108172393-T-A. GRCh37 (hg19) VCF-style: chr11-108043120-T-A.
Other names: c.2591A>T, p.Asn864Ile (NM_001321307.1); short protein forms N864I.
Identifiers: ClinVar variation 3407223 (VCV003407223.1).